The following is an entry in ClinVar:

ClinVar aggregate classification (germline): Uncertain significance (1 of 4 stars; one submission).

Submission:

Dasa
Classification: Uncertain significance. Last evaluated: 2025-10-13. Review status: criteria provided, single submitter. Criteria: DASA Assertion Criteria. Collection method: clinical testing. Allele origin: germline.
Comment: NM_001122955.4(BSCL2):c.150C>G (p.Asn50Lys) is a missense variant that results in the substitution of asparagine with lysine. This variant is absent from population databases. The currently available literature and clinical evidence are not sufficient to establish a definitive association between this variant and the reported condition. Therefore, this variant is classified as a variant of uncertain significance.

NM_001122955.4(BSCL2):c.150C>G (p.Asn50Lys)

Genes: BSCL2 (BSCL2 lipid droplet biogenesis associated, seipin; minus strand), HNRNPUL2-BSCL2 (HNRNPUL2-BSCL2 readthrough (NMD candidate); minus strand). Cytogenetic location: 11q12.3.
Variant type: single nucleotide variant.
Coding change: c.150C>G on transcript NM_001122955.4 (MANE Select); coding-DNA position 150, C replaced by G.
Protein change: p.Asn50Lys; replaces asparagine 50 with lysine.
Molecular consequence: missense variant. On other transcripts: non-coding transcript variant (1), 5 prime UTR variant (2).
Genome position (GRCh38, 1-based): chr11:62,705,555, G>C on the plus strand (C>G on the coding strand, the complement: BSCL2 is on the minus strand). VCF-style: chr11-62705555-G-C. GRCh37 (hg19) VCF-style: chr11-62473027-G-C.
Other names: c.-43C>G (NM_001130702.2, NM_032667.6); c.150C>G, p.Asn50Lys (NM_001386027.1, NM_001386028.1); short protein forms N50K.
Identifiers: ClinVar variation 4882616 (VCV004882616.2).